The following is an entry in ClinVar:

ClinVar aggregate classification (germline): Pathogenic. Review status: criteria provided, multiple submitters, no conflicts (2 of 4 stars). 2 submissions from 2 submitters: Pathogenic (2). Last evaluated 2024-11-13.

Conditions:
Vici syndrome (VICIS). Identifiers: Orphanet 1493, MedGen C1855772, MONDO:0009452, OMIM 242840.

gnomAD v4.1: 14 of 1,613,940 alleles (0.00087%); highest among the groups gnomAD compares: Non-Finnish European, 0.0012%; no homozygotes.

Submissions (2):

Victorian Clinical Genetics Services, Murdoch Childrens Research Institute
Classification: Pathogenic for Vici syndrome. Last evaluated: 2024-11-13. Review status: criteria provided, single submitter. Criteria: ACMG Guidelines, 2015. Collection method: clinical testing. Allele origin: germline. Affected: yes.
Comment: This variant is classified as Pathogenic. Evidence in support of pathogenic classification: Variant is predicted to cause nonsense-mediated decay (NMD) and loss of protein (premature termination codon is located at least 54 nucleotides upstream of the final exon-exon junction); Variant is present in gnomAD <0.01 for a recessive condition (v4: 14 heterozygote(s), 0 homozygote(s)); Other NMD-predicted variant(s) comparable to the one identified in this case have very strong previous evidence for pathogenicity (DECIPHER). Additional information: This variant is heterozygous; This gene is associated with autosomal recessive disease; This variant has no previous evidence of pathogenicity; No published segregation evidence has been identified for this variant; No published functional evidence has been identified for this variant; Loss of function is a known mechanism of disease in this gene and is associated with Vici syndrome (MIM#242840); Heterozygous variant detected in trans with a LIKELY PATHOGENIC heterozygous variant, NM_020964.3(EPG5):c.12_33dup; p.(Lys12Glyfs*15), in a recessive disease.

Labcorp Genetics (formerly Invitae), Labcorp
Classification: Pathogenic for Vici syndrome. Last evaluated: 2024-03-13. Review status: criteria provided, single submitter. Criteria: Invitae Variant Classification Sherloc (09022015). Collection method: clinical testing. Allele origin: germline.
Comment: This sequence change creates a premature translational stop signal (p.Arg526*) in the EPG5 gene. It is expected to result in an absent or disrupted protein product. Loss-of-function variants in EPG5 are known to be pathogenic (PMID: 23222957, 23674064). This variant is not present in population databases (gnomAD no frequency). This variant has not been reported in the literature in individuals affected with EPG5-related conditions. Algorithms developed to predict the effect of sequence changes on RNA splicing suggest that this variant may disrupt the consensus splice site. For these reasons, this variant has been classified as Pathogenic.

Literature cited by the submitters: PubMed 23222957 (cited by Labcorp Genetics (formerly Invitae), Labcorp); PubMed 23674064 (cited by Labcorp Genetics (formerly Invitae), Labcorp).

NM_020964.3(EPG5):c.1576C>T (p.Arg526Ter)

Gene: EPG5 (ectopic P-granules 5 autophagy tethering factor; minus strand). Cytogenetic location: 18q21.1.
Variant type: single nucleotide variant.
Coding change: c.1576C>T on transcript NM_020964.3 (MANE Select); coding-DNA position 1576, C replaced by T.
Protein change: p.Arg526Ter; replaces arginine 526 with a stop codon.
Molecular consequence: nonsense.
Genome position (GRCh38, 1-based): chr18:45,946,764, G>A on the plus strand (C>T on the coding strand, the complement: EPG5 is on the minus strand). VCF-style: chr18-45946764-G-A. GRCh37 (hg19) VCF-style: chr18-43526730-G-A.
Other names: c.1576C>T, p.Arg526Ter (NM_001410858.1, NM_001410859.1); short protein forms R526*.
Identifiers: ClinVar variation 3697174 (VCV003697174.4).